The following is an entry in ClinVar:

NM_001267550.2(TTN):c.39727G>T (p.Glu13243Ter)

Gene: TTN (titin; minus strand). Cytogenetic location: 2q31.2.
Variant type: single nucleotide variant.
Coding change: c.39727G>T on transcript NM_001267550.2 (MANE Select); coding-DNA position 39727, G replaced by T.
Protein change: p.Glu13243Ter; replaces glutamic acid 13243 with a stop codon.
Molecular consequence: nonsense. On other transcripts: intron variant (3).
Genome position (GRCh38, 1-based): chr2:178,650,254, C>A on the plus strand (G>T on the coding strand, the complement: TTN is on the minus strand). VCF-style: chr2-178650254-C-A. GRCh37 (hg19) VCF-style: chr2-179514981-C-A.
Other names: c.35206G>T, p.Glu11736Ter (NM_001256850.1); c.32425G>T, p.Glu10809Ter (NM_133378.4); c.13283-7937G>T (NM_003319.4); c.13859-7937G>T (NM_133437.4); c.13658-7937G>T (NM_133432.3); short protein forms E11736*, E13243*, E10809*.
Identifiers: ClinVar variation 2075133 (VCV002075133.4), dbSNP rs1203876644, ClinGen allele CA349450440.
Genomic context (GRCh38, chr2:178,650,254, plus strand): 5'-CTTCTGCAACAGGAACTGGCTTTTCCTCTTCAGGAGCAATTTCCTCTTCAGGAGCAATTT[C>A]CTCAGGTTCTTCATATACTTTAAAGATATTAGTTAATTTTATTTCAATGTATGGAACAAT-3'

ClinVar aggregate classification (germline): Likely pathogenic (1 of 4 stars; one submission).

Conditions:
Dilated cardiomyopathy 1G (CMD1G). Identifiers: Orphanet 154, MedGen C1858763, MONDO:0011400, OMIM 604145.
Autosomal recessive limb-girdle muscular dystrophy type 2J (LGMDR10). Also called: Limb-girdle muscular dystrophy, type 2J; MUSCULAR DYSTROPHY, LIMB-GIRDLE, AUTOSOMAL RECESSIVE 10. Identifiers: Orphanet 140922, MedGen C1837342, MONDO:0012127, OMIM 608807.

Submission:

Labcorp Genetics (formerly Invitae), Labcorp
Classification: Likely pathogenic for Dilated cardiomyopathy 1G; Autosomal recessive limb-girdle muscular dystrophy type 2J. Last evaluated: 2024-10-18. Review status: criteria provided, single submitter. Criteria: Invitae Variant Classification Sherloc (09022015). Collection method: clinical testing. Allele origin: germline.
Comment: This sequence change creates a premature translational stop signal (p.Glu13243*) in the TTN gene. While this is not anticipated to result in nonsense mediated decay, it is expected to create a truncated TTN protein. This variant is not present in population databases (gnomAD no frequency). This variant has not been reported in the literature in individuals affected with TTN-related conditions. ClinVar contains an entry for this variant (Variation ID: 2075133). This variant is located in the I band of TTN (PMID: 25589632). Truncating variants in this region have been reported in individuals affected with autosomal recessive centronuclear myopathy (PMID: 23975875, internal data). Truncating variants in this region have also been identified in individuals affected with autosomal dominant dilated cardiomyopathy and/or cardio-related conditions (PMID: 27869827, 32964742, internal data). In summary, the currently available evidence indicates that the variant is pathogenic, but additional data are needed to prove that conclusively. Therefore, this variant has been classified as Likely Pathogenic.

Literature cited by the submitters: PubMed 25589632; PubMed 23975875; PubMed 27869827; PubMed 32964742.